The following is an entry in ClinVar:

NM_006231.4(POLE):c.4823T>G (p.Leu1608Arg)

Gene: POLE (DNA polymerase epsilon, catalytic subunit; minus strand). Cytogenetic location: 12q24.33.
Variant type: single nucleotide variant.
Coding change: c.4823T>G on transcript NM_006231.4 (MANE Select); coding-DNA position 4823, T replaced by G.
Protein change: p.Leu1608Arg; replaces leucine 1608 with arginine.
Molecular consequence: missense variant.
Genome position (GRCh38, 1-based): chr12:132,642,635, A>C on the plus strand (T>G on the coding strand, the complement: POLE is on the minus strand). VCF-style: chr12-132642635-A-C. GRCh37 (hg19) VCF-style: chr12-133219221-A-C.
Other names: short protein forms L1608R.
Identifiers: ClinVar variation 473694 (VCV000473694.12), dbSNP rs1255478620, ClinGen allele CA387378274.

ClinVar aggregate classification (germline): Uncertain significance. Review status: criteria provided, multiple submitters, no conflicts (2 of 4 stars). 5 submissions from 5 submitters: Uncertain significance (4). 1 of the submissions does not count toward it. Last evaluated 2025-08-18.

Conditions:
Colorectal cancer, susceptibility to, 12 (CRCS12). Also called: COLORECTAL CANCER, SUSCEPTIBILITY TO, ON CHROMOSOME 12q24. Identifiers: Orphanet 220460, MedGen C3554460, MONDO:0014038, OMIM 615083.
Facial dysmorphism-immunodeficiency-livedo-short stature syndrome. Also called: Facial dysmorphism, immunodeficiency, livedo, and short stature; FILS syndrome. Identifiers: Orphanet 352712, MedGen C3554576, MONDO:0014058, OMIM 615139.
Intrauterine growth retardation, metaphyseal dysplasia, adrenal hypoplasia congenita, genital anomalies, and immunodeficiency. Also called: IMAGEI SYNDROME. Identifiers: MedGen C5193036, MONDO:0032684, OMIM 618336.
Hereditary cancer-predisposing syndrome. Also called: Neoplastic Syndromes, Hereditary; Tumor predisposition; Hereditary Cancer Syndrome; Hereditary neoplastic syndrome. Identifiers: Orphanet 140162, MedGen C0027672, MeSH D009386, MONDO:0015356.

Allele frequency attached by ClinVar (database versions not stated): gnomAD exomes below 0.00001; TOPMed 0.00001.
gnomAD v4.1: 6 of 1,613,292 alleles (0.00037%); highest among the groups gnomAD compares: Non-Finnish European, 0.00051%; no homozygotes.

Submissions (5):

Ambry Genetics
Classification: Uncertain significance for Hereditary cancer-predisposing syndrome. Last evaluated: 2025-08-18. Review status: criteria provided, single submitter. Criteria: Ambry Variant Classification Scheme 2023. Collection method: clinical testing. Allele origin: germline.
Comment: The p.L1608R variant (also known as c.4823T>G), located in coding exon 37 of the POLE gene, results from a T to G substitution at nucleotide position 4823. The leucine at codon 1608 is replaced by arginine, an amino acid with dissimilar properties. This amino acid position is well conserved in available vertebrate species. In addition, the in silico prediction for this alteration is inconclusive. Based on the available evidence, the clinical significance of this variant remains unclear.

Fulgent Genetics
Classification: Uncertain significance for Colorectal cancer, susceptibility to, 12; Facial dysmorphism-immunodeficiency-livedo-short stature syndrome; Intrauterine growth retardation, metaphyseal dysplasia, adrenal hypoplasia congenita, genital anomalies, and immunodeficiency. Last evaluated: 2024-05-05. Review status: criteria provided, single submitter. Criteria: ACMG Guidelines, 2015. Collection method: clinical testing. Allele origin: germline.

GeneDx
Classification: Uncertain significance. Last evaluated: 2023-10-10. Review status: criteria provided, single submitter. Criteria: GeneDx Variant Classification Process June 2021. Collection method: clinical testing. Allele origin: germline. Affected: yes.
Comment: Not observed at significant frequency in large population cohorts (gnomAD); In silico analysis supports that this missense variant has a deleterious effect on protein structure/function; Has not been previously published as pathogenic or benign to our knowledge

Labcorp Genetics (formerly Invitae), Labcorp
Classification: Uncertain significance. Last evaluated: 2022-09-09. Review status: criteria provided, single submitter. Criteria: Invitae Variant Classification Sherloc (09022015). Collection method: clinical testing. Allele origin: germline.
Comment: This sequence change replaces leucine, which is neutral and non-polar, with arginine, which is basic and polar, at codon 1608 of the POLE protein (p.Leu1608Arg). This variant is not present in population databases (gnomAD no frequency). This variant has not been reported in the literature in individuals affected with POLE-related conditions. ClinVar contains an entry for this variant (Variation ID: 473694). Advanced modeling of protein sequence and biophysical properties (such as structural, functional, and spatial information, amino acid conservation, physicochemical variation, residue mobility, and thermodynamic stability) performed at Invitae indicates that this missense variant is not expected to disrupt POLE protein function. In summary, the available evidence is currently insufficient to determine the role of this variant in disease. Therefore, it has been classified as a Variant of Uncertain Significance.

Counsyl
Classification: Uncertain significance for Colorectal cancer, susceptibility to, 12. Last evaluated: 2018-05-01. Review status: no assertion criteria provided. Collection method: clinical testing. Allele origin: unknown. Not counted in ClinVar's aggregate classification.